The following is an entry in ClinVar:

NM_005159.5(ACTC1):c.35G>A (p.Cys12Tyr)

Genes: ACTC1 (actin alpha cardiac muscle 1; minus strand), GJD2-DT (GJD2 divergent transcript; plus strand). Cytogenetic location: 15q14.
Variant type: single nucleotide variant.
Coding change: c.35G>A on transcript NM_005159.5 (MANE Select); coding-DNA position 35, G replaced by A.
Protein change: p.Cys12Tyr; replaces cysteine 12 with tyrosine.
Molecular consequence: missense variant.
Genome position (GRCh38, 1-based): chr15:34,794,774, C>T on the plus strand (G>A on the coding strand, the complement: ACTC1 is on the minus strand). VCF-style: chr15-34794774-C-T. GRCh37 (hg19) VCF-style: chr15-35086975-C-T.
Other names: c.35G>A, p.Cys12Tyr (NM_001406482.1, NM_001406483.1); short protein forms C12Y.
Identifiers: ClinVar variation 3071498 (VCV003071498.1), dbSNP rs2504185646, ClinGen allele CA391633395.
Genomic context (GRCh38, chr15:34,794,774, plus strand): 5'-ACAGCGCGGGGCGCGTCATCGCCCGCAAAGCCGGCCTTCACCAGCCCAGAGCCGTTGTCG[C>T]ACACCAGGGCGGTGGTCTCCTCGTCGTCACACATCTTGGCACAGCTTCAGGGGGTTCTGC-3'
Protein context (NP_005150.1, residues 2-22): CDDEETTALV[Cys12Tyr]DNGSGLVKAG

ClinVar aggregate classification (germline): Uncertain significance (1 of 4 stars; one submission).

Conditions:
Hypertrophic cardiomyopathy. Also called: HYPERTROPHIC MYOCARDIOPATHY. Identifiers: Orphanet 217569, MedGen C0007194, MeSH D002312, MONDO:0005045, HP:0001639.

Submission:

All of Us Research Program, National Institutes of Health
Classification: Uncertain significance for Hypertrophic cardiomyopathy. Last evaluated: 2023-06-28. Review status: criteria provided, single submitter. Criteria: ACMG Guidelines, 2015. Collection method: clinical testing. Allele origin: germline. Inheritance: Autosomal dominant inheritance. Observed: 1 variant allele, 1 heterozygote.
Comment: This study involves interpretation of variants in research participants for the purpose of population health screening. Participant phenotype was not available at the time of variant classification. Additional details can be found in publication PMID: 35346344, PMCID: PMC8962531